The following is an entry in ClinVar:

ClinVar aggregate classification (germline): Uncertain significance (1 of 4 stars; one submission).

Conditions:
Autosomal dominant childhood-onset proximal spinal muscular atrophy with contractures (SMALED2A). Also called: SPINAL MUSCULAR ATROPHY, LOWER EXTREMITY-PREDOMINANT, 2A, CHILDHOOD ONSET, AUTOSOMAL DOMINANT; Spinal muscular atrophy, lower extremity-predominant, 2A, autosomal dominant. Identifiers: Orphanet 363447, Orphanet 363454, MedGen C4747715, MONDO:0014121, OMIM 615290.

Submission:

Labcorp Genetics (formerly Invitae), Labcorp
Classification: Uncertain significance for Autosomal dominant childhood-onset proximal spinal muscular atrophy with contractures. Last evaluated: 2024-01-29. Review status: criteria provided, single submitter. Criteria: Invitae Variant Classification Sherloc (09022015). Collection method: clinical testing. Allele origin: germline.
Comment: This sequence change replaces lysine, which is basic and polar, with asparagine, which is neutral and polar, at codon 686 of the BICD2 protein (p.Lys686Asn). This variant is not present in population databases (gnomAD no frequency). This variant has not been reported in the literature in individuals affected with BICD2-related conditions. Advanced modeling of protein sequence and biophysical properties (such as structural, functional, and spatial information, amino acid conservation, physicochemical variation, residue mobility, and thermodynamic stability) performed at Invitae indicates that this missense variant is expected to disrupt BICD2 protein function with a positive predictive value of 80%. In summary, the available evidence is currently insufficient to determine the role of this variant in disease. Therefore, it has been classified as a Variant of Uncertain Significance.

NM_001003800.2(BICD2):c.2058G>C (p.Lys686Asn)

Gene: BICD2 (BICD cargo adaptor 2; minus strand). Cytogenetic location: 9q22.31.
Variant type: single nucleotide variant.
Coding change: c.2058G>C on transcript NM_001003800.2 (MANE Select); coding-DNA position 2058, G replaced by C.
Protein change: p.Lys686Asn; replaces lysine 686 with asparagine.
Molecular consequence: missense variant.
Genome position (GRCh38, 1-based): chr9:92,718,587, C>G on the plus strand (G>C on the coding strand, the complement: BICD2 is on the minus strand). VCF-style: chr9-92718587-C-G. GRCh37 (hg19) VCF-style: chr9-95480869-C-G.
Other names: c.2058G>C, p.Lys686Asn (NM_015250.4); short protein forms K686N.
Identifiers: ClinVar variation 2711464 (VCV002711464.3), dbSNP rs376312313, ClinGen allele CA374033994.